The following is an entry in ClinVar:

NM_015135.3(NUP205):c.4008C>T (p.Ala1336=)

Gene: NUP205 (nucleoporin 205; plus strand). Cytogenetic location: 7q33.
Variant type: single nucleotide variant.
Coding change: c.4008C>T on transcript NM_015135.3 (MANE Select); coding-DNA position 4008, C replaced by T.
Protein change: p.Ala1336=; no amino-acid change (alanine 1336 retained).
Molecular consequence: synonymous variant.
Genome position (GRCh38, 1-based): chr7:135,619,467, C>T. VCF-style: chr7-135619467-C-T. GRCh37 (hg19) VCF-style: chr7-135304215-C-T.
Other names: p.Ala1336=; c.2934C>T, p.Ala978= (NM_001329434.2).
Identifiers: ClinVar variation 1316509 (VCV001316509.11), dbSNP rs11550518, ClinGen allele CA4498779.
Genomic context (GRCh38, chr7:135,619,467, plus strand): 5'-GCCCTTGTCCTTTAAGATACTGGATGATGAAGCTGCGCAAGAGTTAATGCCTGTGGTCGC[C>T]GGGGCAGTGTTCACACTGACTGCTCACCTAAGCCAGGCCGTCCTCACTGAACAGAAGGAA-3'
Protein context (NP_055950.2, residues 1326-1346): EAAQELMPVV[Ala1336=]GAVFTLTAHL

ClinVar aggregate classification (germline): Benign/Likely benign. Review status: criteria provided, multiple submitters, no conflicts (2 of 4 stars). 4 submissions from 4 submitters: Benign (2); Likely benign (2). Last evaluated 2026-01-27.

Allele frequency attached by ClinVar (database versions not stated): gnomAD exomes 0.03390 and 0.03946; TOPMed 0.03868; ExAC 0.03490; 1000 Genomes Project 30x 0.03545; 1000 Genomes Project 0.03554; gnomAD 0.03564 and 0.03535; ESP Exome Variant Server 0.04006.
gnomAD v4.1: 63,136 of 1,613,452 alleles (3.9%); highest among the groups gnomAD compares: Middle Eastern, 7.8%; 1,414 homozygotes.

Submissions (4):

Labcorp Genetics (formerly Invitae), Labcorp
Classification: Benign. Last evaluated: 2026-01-27. Review status: criteria provided, single submitter. Criteria: Invitae Variant Classification Sherloc (09022015). Collection method: clinical testing. Allele origin: germline.

Mayo Clinic Laboratories, Mayo Clinic
Classification: Benign. Last evaluated: 2024-07-15. Review status: criteria provided, single submitter. Criteria: ACMG Guidelines, 2015. Collection method: clinical testing. Allele origin: germline. Observed: 11 variant alleles.
Comment: BS1, BS2, BP4, BP7

GeneDx
Classification: Likely benign. Last evaluated: 2020-12-22. Review status: criteria provided, single submitter. Criteria: GeneDx Variant Classification Process June 2021. Collection method: clinical testing. Allele origin: germline. Affected: yes.

Breakthrough Genomics
Classification: Likely benign. Review status: criteria provided, single submitter. Criteria: ACMG Guidelines, 2015. Collection method: not provided. Allele origin: germline. Inheritance: Autosomal recessive inheritance. Affected: yes.